The following is an entry in ClinVar:

ClinVar aggregate classification (germline): Uncertain significance (1 of 4 stars; one submission).

Conditions:
Neurofibromatosis, type 1 (NF1). Also called: Peripheral type neurofibromatosis; VON RECKLINGHAUSEN DISEASE; NEUROFIBROMATOSIS, TYPE I, SOMATIC; Neurofibromatosis, type I. Identifiers: Orphanet 636, MedGen C0027831, MONDO:0018975, OMIM 162200. Disease mechanism: loss of function.

Allele frequency attached by ClinVar (database versions not stated): gnomAD exomes below 0.00001.
gnomAD v4.1: 1 of 1,613,952 alleles (0.000062%); highest among the groups gnomAD compares: Non-Finnish European, 0.000085%; no homozygotes.

Submission:

Labcorp Genetics (formerly Invitae), Labcorp
Classification: Uncertain significance for Neurofibromatosis, type 1. Last evaluated: 2019-08-15. Review status: criteria provided, single submitter. Criteria: Invitae Variant Classification Sherloc (09022015). Collection method: clinical testing. Allele origin: germline.
Comment: This sequence change replaces glutamic acid with glycine at codon 2587 of the NF1 protein (p.Glu2587Gly). The glutamic acid residue is moderately conserved and there is a moderate physicochemical difference between glutamic acid and glycine. This variant is not present in population databases (ExAC no frequency). This variant has not been reported in the literature in individuals with NF1-related conditions. Algorithms developed to predict the effect of missense changes on protein structure and function (SIFT, PolyPhen-2, Align-GVGD) all suggest that this variant is likely to be tolerated, but these predictions have not been confirmed by published functional studies and their clinical significance is uncertain. In summary, the available evidence is currently insufficient to determine the role of this variant in disease. Therefore, it has been classified as a Variant of Uncertain Significance.

NM_001042492.3(NF1):c.7823A>G (p.Glu2608Gly)

Gene: NF1 (neurofibromin 1; plus strand). Cytogenetic location: 17q11.2.
Variant type: single nucleotide variant.
Coding change: c.7823A>G on transcript NM_001042492.3 (MANE Select); coding-DNA position 7823, A replaced by G.
Protein change: p.Glu2608Gly; replaces glutamic acid 2608 with glycine.
Molecular consequence: missense variant.
Genome position (GRCh38, 1-based): chr17:31,357,044, A>G. VCF-style: chr17-31357044-A-G. GRCh37 (hg19) VCF-style: chr17-29684062-A-G.
Other names: c.7760A>G, p.Glu2587Gly (NM_000267.4); short protein forms E2608G, E2587G.
Identifiers: ClinVar variation 963975 (VCV000963975.6), dbSNP rs2070289110, ClinGen allele CA399018582.